The following is an entry in ClinVar:

ClinVar aggregate classification (germline): Uncertain significance. Review status: criteria provided, multiple submitters, no conflicts (2 of 4 stars). 2 submissions from 2 submitters: Uncertain significance (2). Last evaluated 2024-05-31.

Allele frequency attached by ClinVar (database versions not stated): gnomAD 0.00001; gnomAD exomes 0.00001; TOPMed 0.00001; ExAC 0.00003.
gnomAD v4.1: 7 of 1,614,026 alleles (0.00043%); highest among the groups gnomAD compares: East Asian, 0.016%; no homozygotes.

Submissions (2):

Labcorp Genetics (formerly Invitae), Labcorp
Classification: Uncertain significance. Last evaluated: 2024-05-31. Review status: criteria provided, single submitter. Criteria: Invitae Variant Classification Sherloc (09022015). Collection method: clinical testing. Allele origin: germline.
Comment: This sequence change replaces tyrosine, which is neutral and polar, with histidine, which is basic and polar, at codon 244 of the KCNJ13 protein (p.Tyr244His). This variant is present in population databases (rs770861822, gnomAD 0.06%). This variant has not been reported in the literature in individuals affected with KCNJ13-related conditions. ClinVar contains an entry for this variant (Variation ID: 2336405). Advanced modeling of protein sequence and biophysical properties (such as structural, functional, and spatial information, amino acid conservation, physicochemical variation, residue mobility, and thermodynamic stability) performed at Invitae indicates that this missense variant is not expected to disrupt KCNJ13 protein function with a negative predictive value of 80%. In summary, the available evidence is currently insufficient to determine the role of this variant in disease. Therefore, it has been classified as a Variant of Uncertain Significance.

Ambry Genetics
Classification: Uncertain significance. Last evaluated: 2022-12-19. Review status: criteria provided, single submitter. Criteria: Ambry Variant Classification Scheme 2023. Collection method: clinical testing. Allele origin: germline.

NM_002242.4(KCNJ13):c.730T>C (p.Tyr244His)

Genes: GIGYF2 (GRB10 interacting GYF protein 2; plus strand), KCNJ13 (potassium inwardly rectifying channel subfamily J member 13; minus strand). Cytogenetic location: 2q37.1.
Variant type: single nucleotide variant.
Coding change: c.730T>C on transcript NM_002242.4 (MANE Select); coding-DNA position 730, T replaced by C.
Protein change: p.Tyr244His; replaces tyrosine 244 with histidine.
Molecular consequence: missense variant. On other transcripts: 3 prime UTR variant (1), intron variant (4).
Genome position (GRCh38, 1-based): chr2:232,768,544, A>G on the plus strand (T>C on the coding strand, the complement: KCNJ13 is on the minus strand). VCF-style: chr2-232768544-A-G. GRCh37 (hg19) VCF-style: chr2-233633254-A-G.
Other names: c.*209T>C (NM_001172416.1); c.490T>C, p.Tyr164His (NM_001172417.1); c.532+7108A>G (NM_001103146.3, NM_015575.4, NM_001103147.2 and 1 more transcripts); short protein forms Y244H, Y164H.
Identifiers: ClinVar variation 2336405 (VCV002336405.4), dbSNP rs770861822, ClinGen allele CA2169989.